The following is an entry in ClinVar:

NM_007373.4(SHOC2):c.1744G>A (p.Val582Ile)

Gene: SHOC2 (SHOC2 leucine rich repeat scaffold protein; plus strand). Cytogenetic location: 10q25.2.
Variant type: single nucleotide variant.
Coding change: c.1744G>A on transcript NM_007373.4 (MANE Select); coding-DNA position 1744, G replaced by A.
Protein change: p.Val582Ile; replaces valine 582 with isoleucine.
Molecular consequence: missense variant. On other transcripts: non-coding transcript variant (1).
Genome position (GRCh38, 1-based): chr10:111,011,813, G>A. VCF-style: chr10-111011813-G-A. GRCh37 (hg19) VCF-style: chr10-112771571-G-A.
Other names: c.1606G>A, p.Val536Ile (NM_001269039.3); c.1744G>A, p.Val582Ile (NM_001324336.2, NM_001324337.2); short protein forms V582I, V536I.
Identifiers: ClinVar variation 569041 (VCV000569041.9), dbSNP rs1564732203, ClinGen allele CA378526837.

ClinVar aggregate classification (germline): Uncertain significance. Review status: criteria provided, multiple submitters, no conflicts (2 of 4 stars). 2 submissions from 2 submitters: Uncertain significance (2). Last evaluated 2024-05-15.

Conditions:
RASopathy. Also called: rasopathies; Noonan spectrum disorder. Identifiers: Orphanet 536391, MedGen C5555857, MONDO:0021060.
Noonan syndrome-like disorder with loose anagen hair 1 (NSLH1). Also called: TOSTI SYNDROME; MAZZANTI SYNDROME. Identifiers: Orphanet 2701, MedGen C4478716, MONDO:0054637, OMIM 607721.

Allele frequency attached by ClinVar (database versions not stated): gnomAD 0.00001.
gnomAD v4.1: 4 of 1,612,638 alleles (0.00025%); highest among the groups gnomAD compares: African/African-American, 0.0013%; no homozygotes.

Submissions (2):

St. Jude Molecular Pathology, St. Jude Children's Research Hospital
Classification: Uncertain significance for Noonan syndrome-like disorder with loose anagen hair 1. Last evaluated: 2024-05-15. Review status: criteria provided, single submitter. Criteria: St. Jude Assertion Criteria 2020. Collection method: clinical testing. Allele origin: germline.
Comment: The SHOC2 c.1744G>A (p.Val582Ile) missense change is absent in gnomAD v2.1.1. The in silico tool REVEL is inconclusive about a pathogenic or benign effect of this variant on protein function, and functional studies have not been performed. This variant has not been reported in individuals with SHOC2- associated conditions. In summary, the evidence currently available is insufficient to determine the clinical significance of this variant. It has therefore been classified as of uncertain significance.

Labcorp Genetics (formerly Invitae), Labcorp
Classification: Uncertain significance for RASopathy. Last evaluated: 2018-04-12. Review status: criteria provided, single submitter. Criteria: Invitae Variant Classification Sherloc (09022015). Collection method: clinical testing. Allele origin: germline.
Comment: In summary, the available evidence is currently insufficient to determine the role of this variant in disease. Therefore, it has been classified as a Variant of Uncertain Significance. Algorithms developed to predict the effect of missense changes on protein structure and function do not agree on the potential impact of this missense change (SIFT: "Deleterious"; PolyPhen-2: "Possibly Damaging"; Align-GVGD: "Class C0"). This variant has not been reported in the literature in individuals with SHOC2-related disease. This variant is not present in population databases (ExAC no frequency). This sequence change replaces valine with isoleucine at codon 582 of the SHOC2 protein (p.Val582Ile). The valine residue is highly conserved and there is a small physicochemical difference between valine and isoleucine.